The following is an entry in ClinVar:

ClinVar aggregate classification (germline): Uncertain significance (1 of 4 stars; one submission).

Conditions:
Long QT syndrome (LQTS). Identifiers: MedGen C0023976, MeSH D008133, MONDO:0002442. Disease mechanism: loss of function. Inheritance: Various modes of inheritance.

Allele frequency attached by ClinVar (database versions not stated): gnomAD 0.00001; TOPMed 0.00002.

Submission:

Labcorp Genetics (formerly Invitae), Labcorp
Classification: Uncertain significance for Long QT syndrome. Last evaluated: 2021-10-29. Review status: criteria provided, single submitter. Criteria: Invitae Variant Classification Sherloc (09022015). Collection method: clinical testing. Allele origin: germline.
Comment: This variant has not been reported in the literature in individuals affected with KCNH2-related conditions. This sequence change replaces proline, which is neutral and non-polar, with serine, which is neutral and polar, at codon 205 of the KCNH2 protein (p.Pro205Ser). This variant is not present in population databases (gnomAD no frequency). ClinVar contains an entry for this variant (Variation ID: 662184). Algorithms developed to predict the effect of missense changes on protein structure and function (SIFT, PolyPhen-2, Align-GVGD) all suggest that this variant is likely to be tolerated. In summary, the available evidence is currently insufficient to determine the role of this variant in disease. Therefore, it has been classified as a Variant of Uncertain Significance.

NM_000238.4(KCNH2):c.613C>T (p.Pro205Ser)

Gene: KCNH2 (potassium voltage-gated channel subfamily H member 2; minus strand). Cytogenetic location: 7q36.1.
Variant type: single nucleotide variant.
Coding change: c.613C>T on transcript NM_000238.4 (MANE Select); coding-DNA position 613, C replaced by T.
Protein change: p.Pro205Ser; replaces proline 205 with serine.
Molecular consequence: missense variant.
Genome position (GRCh38, 1-based): chr7:150,958,362, G>A on the plus strand (C>T on the coding strand, the complement: KCNH2 is on the minus strand). VCF-style: chr7-150958362-G-A. GRCh37 (hg19) VCF-style: chr7-150655450-G-A.
Other names: c.325C>T, p.Pro109Ser (NM_001406753.1, NM_001406756.1); c.436C>T, p.Pro146Ser (NM_001406755.1); c.313C>T, p.Pro105Ser (NM_001406757.1); c.613C>T, p.Pro205Ser (NM_172056.3); short protein forms P205S, P105S, P146S, P109S.
Identifiers: ClinVar variation 662184 (VCV000662184.7), dbSNP rs939574819, ClinGen allele CA169081399.